The following is an entry in ClinVar:

ClinVar aggregate classification (germline): Uncertain significance (1 of 4 stars; one submission).

Submission:

Labcorp Genetics (formerly Invitae), Labcorp
Classification: Uncertain significance. Last evaluated: 2022-11-08. Review status: criteria provided, single submitter. Criteria: Invitae Variant Classification Sherloc (09022015). Collection method: clinical testing. Allele origin: germline.
Comment: This sequence change replaces leucine, which is neutral and non-polar, with arginine, which is basic and polar, at codon 509 of the FUK protein (p.Leu509Arg). This variant is present in population databases (no rsID available, gnomAD 0.003%). This variant has not been reported in the literature in individuals affected with FUK-related conditions. ClinVar contains an entry for this variant (Variation ID: 1682371). Algorithms developed to predict the effect of missense changes on protein structure and function are either unavailable or do not agree on the potential impact of this missense change (SIFT: "Deleterious"; PolyPhen-2: "Probably Damaging"; Align-GVGD: "Class C0"). In summary, the available evidence is currently insufficient to determine the role of this variant in disease. Therefore, it has been classified as a Variant of Uncertain Significance.

NM_145059.3(FCSK):c.1526T>G (p.Leu509Arg)

Gene: FCSK (fucose kinase; plus strand). Cytogenetic location: 16q22.1.
Variant type: single nucleotide variant.
Coding change: c.1526T>G on transcript NM_145059.3 (MANE Select); coding-DNA position 1526, T replaced by G.
Protein change: p.Leu509Arg; replaces leucine 509 with arginine.
Molecular consequence: missense variant.
Genome position (GRCh38, 1-based): chr16:70,473,102, T>G. VCF-style: chr16-70473102-T-G. GRCh37 (hg19) VCF-style: chr16-70507005-T-G.
Other names: short protein forms L509R.
Identifiers: ClinVar variation 1682371 (VCV001682371.6), dbSNP rs754393801, ClinGen allele CA396570273.